The following is an entry in ClinVar:

NM_000487.6(ARSA):c.195C>G (p.Tyr65Ter)

Gene: ARSA (arylsulfatase A; minus strand). Cytogenetic location: 22q13.33.
Variant type: single nucleotide variant.
Coding change: c.195C>G on transcript NM_000487.6 (MANE Select); coding-DNA position 195, C replaced by G.
Protein change: p.Tyr65Ter; replaces tyrosine 65 with a stop codon.
Molecular consequence: nonsense. On other transcripts: intron variant (2).
Genome position (GRCh38, 1-based): chr22:50,627,585, G>C on the plus strand (C>G on the coding strand, the complement: ARSA is on the minus strand). VCF-style: chr22-50627585-G-C. GRCh37 (hg19) VCF-style: chr22-51066013-G-C.
Other names: c.195C>G, p.Tyr65Ter (NM_001085425.3, NM_001085426.3, NM_001085427.3); c.-34-179C>G (NM_001362782.2, NM_001085428.3); short protein forms Y65*.
Identifiers: ClinVar variation 2818489 (VCV002818489.3), dbSNP rs764737103, ClinGen allele CA412182264.

ClinVar aggregate classification (germline): Pathogenic (1 of 4 stars; one submission).

Conditions:
Metachromatic leukodystrophy (MLD). Also called: SULFATIDE LIPIDOSIS; CEREBROSIDE SULFATASE DEFICIENCY; ARSA DEFICIENCY; METACHROMATIC LEUKOENCEPHALOPATHY; Cerebral sclerosis diffuse metachromatic form; Arylsulfatase A Deficiency. Identifiers: Orphanet 512, MedGen C0023522, MONDO:0018868, OMIM 250100.

Submission:

Labcorp Genetics (formerly Invitae), Labcorp
Classification: Pathogenic for Metachromatic leukodystrophy. Last evaluated: 2022-12-04. Review status: criteria provided, single submitter. Criteria: Invitae Variant Classification Sherloc (09022015). Collection method: clinical testing. Allele origin: germline.
Comment: For these reasons, this variant has been classified as Pathogenic. Algorithms developed to predict the effect of sequence changes on RNA splicing suggest that this variant may create or strengthen a splice site. This premature translational stop signal has been observed in individual(s) with metachromatic leukodystrophy (PMID: 28762252). This variant is not present in population databases (gnomAD no frequency). This sequence change creates a premature translational stop signal (p.Tyr65*) in the ARSA gene. It is expected to result in an absent or disrupted protein product. Loss-of-function variants in ARSA are known to be pathogenic (PMID: 8962139, 10477432).

Literature cited by the submitters: PubMed 28762252; PubMed 8962139; PubMed 10477432.